The following is an entry in ClinVar:

NM_139058.3(ARX):c.32C>G (p.Ser11Cys)

Gene: ARX (aristaless related homeobox; minus strand). Cytogenetic location: Xp21.3.
Variant type: single nucleotide variant.
Coding change: c.32C>G on transcript NM_139058.3 (MANE Select); coding-DNA position 32, C replaced by G.
Protein change: p.Ser11Cys; replaces serine 11 with cysteine.
Molecular consequence: missense variant.
Genome position (GRCh38, 1-based): chrX:25,015,706, G>C on the plus strand (C>G on the coding strand, the complement: ARX is on the minus strand). VCF-style: chrX-25015706-G-C. GRCh37 (hg19) VCF-style: chrX-25033823-G-C.
Other names: short protein forms S11C.
Identifiers: ClinVar variation 2937380 (VCV002937380.1), dbSNP rs1698759878, ClinGen allele CA412614046.

ClinVar aggregate classification (germline): Uncertain significance (1 of 4 stars; one submission).

Conditions:
Developmental and epileptic encephalopathy, 1 (DEE1). Also called: INFANTILE SPASM SYNDROME, X-LINKED 1; Epileptic encephalopathy, early infantile, 1; X-linked infantile spasms; West's syndrome; Tonic spasms with clustering, arrest of psychomotor development and hypsarrhythmia on EEG; X-Linked Infantile Spasm Syndrome. Identifiers: MedGen C3463992, MONDO:0010632, OMIM 308350. Disease mechanism: loss of function.
Intellectual disability, X-linked, with or without seizures, ARX-related. Also called: MENTAL RETARDATION, X-LINKED 29; MENTAL RETARDATION, X-LINKED 32; MENTAL RETARDATION, X-LINKED 33; MENTAL RETARDATION, X-LINKED 38; MENTAL RETARDATION, X-LINKED 43; MENTAL RETARDATION, X-LINKED 76. Identifiers: Orphanet 777, MedGen C0796244, MONDO:0010317, OMIM 300419.

Allele frequency attached by ClinVar (database versions not stated): TOPMed below 0.00001; gnomAD 0.00001.
gnomAD v4.1: 1 of 1,201,602 alleles (0.000083%); highest among the groups gnomAD compares: African/African-American, 0.0017%; no homozygotes.

Submission:

Labcorp Genetics (formerly Invitae), Labcorp
Classification: Uncertain significance for Developmental and epileptic encephalopathy, 1; Intellectual disability, X-linked, with or without seizures, ARX-related. Last evaluated: 2023-10-07. Review status: criteria provided, single submitter. Criteria: Invitae Variant Classification Sherloc (09022015). Collection method: clinical testing. Allele origin: germline.
Comment: This sequence change replaces serine, which is neutral and polar, with cysteine, which is neutral and slightly polar, at codon 11 of the ARX protein (p.Ser11Cys). This variant is not present in population databases (gnomAD no frequency). This variant has not been reported in the literature in individuals affected with ARX-related conditions. Advanced modeling of protein sequence and biophysical properties (such as structural, functional, and spatial information, amino acid conservation, physicochemical variation, residue mobility, and thermodynamic stability) performed at Invitae indicates that this missense variant is not expected to disrupt ARX protein function. In summary, the available evidence is currently insufficient to determine the role of this variant in disease. Therefore, it has been classified as a Variant of Uncertain Significance.